The following is an entry in ClinVar:

ClinVar aggregate classification (germline): Uncertain significance. Review status: criteria provided, multiple submitters, no conflicts (2 of 4 stars). 2 submissions from 2 submitters: Uncertain significance (2). Last evaluated 2024-06-08.

Conditions:
Inborn genetic diseases. Identifiers: MedGen C0950123, MeSH D030342.
Dyskeratosis congenita, autosomal dominant 6 (DKCA6). Identifiers: Orphanet 3322, MedGen C4225284, MONDO:0014690, OMIM 616553.

Allele frequency attached by ClinVar (database versions not stated): TOPMed below 0.00001; gnomAD 0.00001; gnomAD exomes 0.00001; ExAC 0.00002.

Submissions (2):

Labcorp Genetics (formerly Invitae), Labcorp
Classification: Uncertain significance for Dyskeratosis congenita, autosomal dominant 6. Last evaluated: 2024-06-08. Review status: criteria provided, single submitter. Criteria: Invitae Variant Classification Sherloc (09022015). Collection method: clinical testing. Allele origin: germline.
Comment: This sequence change replaces arginine, which is basic and polar, with cysteine, which is neutral and slightly polar, at codon 495 of the ACD protein (p.Arg495Cys). This variant is present in population databases (rs772336203, gnomAD 0.006%). This variant has not been reported in the literature in individuals affected with ACD-related conditions. ClinVar contains an entry for this variant (Variation ID: 1773626). Advanced modeling of protein sequence and biophysical properties (such as structural, functional, and spatial information, amino acid conservation, physicochemical variation, residue mobility, and thermodynamic stability) performed at Invitae indicates that this missense variant is not expected to disrupt ACD protein function with a negative predictive value of 80%. Algorithms developed to predict the effect of sequence changes on RNA splicing suggest that this variant may disrupt the consensus splice site. In summary, the available evidence is currently insufficient to determine the role of this variant in disease. Therefore, it has been classified as a Variant of Uncertain Significance.

Ambry Genetics
Classification: Uncertain significance for Inborn genetic diseases. Last evaluated: 2021-12-15. Review status: criteria provided, single submitter. Criteria: Ambry Variant Classification Scheme 2023. Collection method: clinical testing. Allele origin: germline.
Comment: The p.R495C variant (also known as c.1483C>T), located in coding exon 11 of the ACD gene, results from a C to T substitution at nucleotide position 1483. The arginine at codon 495 is replaced by cysteine, an amino acid with highly dissimilar properties. This amino acid position is conserved. In addition, this alteration is predicted to be tolerated by in silico analysis. Since supporting evidence is limited at this time, the clinical significance of this alteration remains unclear.

NM_001082486.2(ACD):c.1225C>T (p.Arg409Cys)

Gene: ACD (ACD shelterin complex subunit and telomerase recruitment factor; minus strand). Cytogenetic location: 16q22.1.
Variant type: single nucleotide variant.
Coding change: c.1225C>T on transcript NM_001082486.2 (MANE Select); coding-DNA position 1225, C replaced by T.
Protein change: p.Arg409Cys; replaces arginine 409 with cysteine.
Molecular consequence: missense variant.
Genome position (GRCh38, 1-based): chr16:67,657,835, G>A on the plus strand (C>T on the coding strand, the complement: ACD is on the minus strand). VCF-style: chr16-67657835-G-A. GRCh37 (hg19) VCF-style: chr16-67691738-G-A.
Other names: c.1138C>T, p.Arg380Cys (NM_001410884.1); c.1216C>T, p.Arg406Cys (NM_022914.3); short protein forms R406C, R409C, R380C.
Identifiers: ClinVar variation 1773626 (VCV001773626.4), dbSNP rs772336203, ClinGen allele CA8114394.